The following is an entry in ClinVar:

NM_000059.4(BRCA2):c.7974C>A (p.Tyr2658Ter)

Gene: BRCA2 (BRCA2 DNA repair associated; plus strand). Cytogenetic location: 13q13.1.
Variant type: single nucleotide variant.
Coding change: c.7974C>A on transcript NM_000059.4 (MANE Select); coding-DNA position 7974, C replaced by A.
Protein change: p.Tyr2658Ter; replaces tyrosine 2658 with a stop codon.
Molecular consequence: nonsense.
Genome position (GRCh38, 1-based): chr13:32,362,691, C>A. VCF-style: chr13-32362691-C-A. GRCh37 (hg19) VCF-style: chr13-32936828-C-A.
Other names: 8202C>A; short protein forms Y2658*.
Identifiers: ClinVar variation 267045 (VCV000267045.39), dbSNP rs80359025, ClinGen allele CA10589460.
Genomic context (GRCh38, chr13:32,362,691, plus strand): 5'-TCCTAAGGAATTTGCTAATAGATGCCTAAGCCCAGAAAGGGTGCTTCTTCAACTAAAATA[C>A]AGGCAAGTTTAAAGCATTACATTACGTAATCATATACGGCAGTATGGTTAAGGTTTCTGT-3'

ClinVar aggregate classification (germline): Pathogenic. Review status: reviewed by expert panel (3 of 4 stars). 5 submissions from 5 submitters: Pathogenic (1). 4 of the submissions do not count toward it. Last evaluated 2016-10-18.

Conditions:
Hereditary breast ovarian cancer syndrome. Also called: Hereditary breast and ovarian cancer syndrome; Hereditary breast and ovarian cancer; Hereditary breast and ovarian cancer syndrome (HBOC); BRCA1- and BRCA2-Associated Hereditary Breast and Ovarian Cancer; Hereditary breast and/or ovarian cancer syndrome; Breast and ovarian cancer. Identifiers: Orphanet 145, MedGen C0677776, MeSH D061325, MONDO:0003582. Disease mechanism: loss of function.
Breast-ovarian cancer, familial, susceptibility to, 2 (BROVCA2). Also called: BRCA2 Hereditary Breast and Ovarian Cancer. Identifiers: Orphanet 145, MedGen C2675520, MONDO:0012933, OMIM 612555. Disease mechanism: loss of function.
Familial cancer of breast. Also called: BREAST CANCER, FAMILIAL; Hereditary breast cancer; hereditary breast carcinoma. Identifiers: Orphanet 227535, MedGen C0346153, MONDO:0016419, OMIM 114480. Disease mechanism: loss of function.

Submissions (5):

Evidence-based Network for the Interpretation of Germline Mutant Alleles (ENIGMA)
Classification: Pathogenic for Breast-ovarian cancer, familial, susceptibility to, 2. Last evaluated: 2016-10-18. Review status: reviewed by expert panel. Criteria: ENIGMA BRCA1/2 Classification Criteria (2015). Collection method: curation. Allele origin: germline.
Comment: Variant allele predicted to encode a truncated non-functional protein.

CeGaT Center for Human Genetics Tuebingen
Classification: Pathogenic. Last evaluated: 2022-11-01. Review status: criteria provided, single submitter. Criteria: CeGaT Center For Human Genetics Tuebingen Variant Classification Criteria Version 2. Collection method: clinical testing. Allele origin: germline. Affected: yes. Observed: 1 variant allele. Not counted in ClinVar's aggregate classification.
Comment: BRCA2: PVS1, PM2

MGZ Medical Genetics Center
Classification: Pathogenic for Familial cancer of breast. Last evaluated: 2022-08-08. Review status: criteria provided, single submitter. Criteria: ACMG Guidelines, 2015. Collection method: clinical testing. Allele origin: germline. Affected: yes. Observed: 3 variant alleles. Not counted in ClinVar's aggregate classification.
Comment: ACMG criteria applied: PVS1, PS4_MOD, PM2_SUP

Labcorp Genetics (formerly Invitae), Labcorp
Classification: Pathogenic for Hereditary breast ovarian cancer syndrome. Last evaluated: 2018-02-22. Review status: criteria provided, single submitter. Criteria: Invitae Variant Classification Sherloc (09022015). Collection method: clinical testing. Allele origin: germline. Not counted in ClinVar's aggregate classification.
Comment: This sequence change creates a premature translational stop signal (p.Tyr2658*) in the BRCA2 gene. It is expected to result in an absent or disrupted protein product. This variant is not present in population databases (ExAC no frequency). This variant has not been reported in the literature in individuals with BRCA2-related disease. ClinVar contains an entry for this variant (Variation ID: 267045). Loss-of-function variants in BRCA2 are known to be pathogenic (PMID: 20104584). For these reasons, this variant has been classified as Pathogenic.

Consortium of Investigators of Modifiers of BRCA1/2 (CIMBA), c/o University of Cambridge
Classification: Pathogenic for Breast-ovarian cancer, familial, susceptibility to, 2. Last evaluated: 2015-10-02. Review status: criteria provided, single submitter. Criteria: CIMBA Mutation Classification guidelines May 2016. Collection method: clinical testing. Allele origin: germline. Not counted in ClinVar's aggregate classification.

Literature cited by the submitters: PubMed 20104584 (cited by Labcorp Genetics (formerly Invitae), Labcorp).